The following is an entry in ClinVar:

ClinVar aggregate classification (germline): Uncertain significance (1 of 4 stars; one submission).

Conditions:
Arginine:glycine amidinotransferase deficiency (CCDS3). Also called: Cerebral creatine deficiency syndrome 3; AGAT deficiency; L-Arginine:Glycine Amidinotransferase (AGAT) Deficiency; L-Arginine:Glycine Amidinotransferase Deficiency; Creatine deficiency syndrome due to AGAT deficiency; GATM deficiency. Identifiers: Orphanet 35704, MedGen C2675179, MONDO:0012996, OMIM 612718.

Allele frequency attached by ClinVar (database versions not stated): gnomAD 0.00001; gnomAD exomes 0.00003.
gnomAD v4.1: 41 of 1,613,968 alleles (0.0025%); highest among the groups gnomAD compares: East Asian, 0.0045%; no homozygotes.

Submission:

Labcorp Genetics (formerly Invitae), Labcorp
Classification: Uncertain significance for Arginine:glycine amidinotransferase deficiency. Last evaluated: 2026-01-04. Review status: criteria provided, single submitter. Criteria: Invitae Variant Classification Sherloc (09022015). Collection method: clinical testing. Allele origin: germline.
Comment: This sequence change replaces proline, which is neutral and non-polar, with serine, which is neutral and polar, at codon 183 of the GATM protein (p.Pro183Ser). This variant is present in population databases (no rsID available, gnomAD 0.01%). This variant has not been reported in the literature in individuals affected with GATM-related conditions. ClinVar contains an entry for this variant (Variation ID: 2091163). Invitae Evidence Modeling of protein sequence and biophysical properties (such as structural, functional, and spatial information, amino acid conservation, physicochemical variation, residue mobility, and thermodynamic stability) indicates that this missense variant is expected to disrupt GATM protein function with a positive predictive value of 95%. In summary, the available evidence is currently insufficient to determine the role of this variant in disease. Therefore, it has been classified as a Variant of Uncertain Significance.

NM_001482.3(GATM):c.547C>T (p.Pro183Ser)

Gene: GATM (glycine amidinotransferase; minus strand). Cytogenetic location: 15q21.1.
Variant type: single nucleotide variant.
Coding change: c.547C>T on transcript NM_001482.3 (MANE Select); coding-DNA position 547, C replaced by T.
Protein change: p.Pro183Ser; replaces proline 183 with serine.
Molecular consequence: missense variant.
Genome position (GRCh38, 1-based): chr15:45,368,198, G>A on the plus strand (C>T on the coding strand, the complement: GATM is on the minus strand). VCF-style: chr15-45368198-G-A. GRCh37 (hg19) VCF-style: chr15-45660396-G-A.
Other names: c.160C>T, p.Pro54Ser (NM_001321015.2); short protein forms P183S, P54S.
Identifiers: ClinVar variation 2091163 (VCV002091163.4), dbSNP rs1392379976, ClinGen allele CA392261179.